The following is an entry in ClinVar:

NM_000370.3(TTPA):c.358+1G>A

Gene: TTPA (alpha tocopherol transfer protein; minus strand). Cytogenetic location: 8q12.3.
Variant type: single nucleotide variant.
Coding change: c.358+1G>A on transcript NM_000370.3 (MANE Select); the canonical splice donor site of the intron after coding-DNA position 358, G replaced by A.
Molecular consequence: splice donor variant. On other transcripts: intron variant (2).
Genome position (GRCh38, 1-based): chr8:63,072,934, C>T on the plus strand (G>A on the coding strand, the complement: TTPA is on the minus strand). VCF-style: chr8-63072934-C-T. GRCh37 (hg19) VCF-style: chr8-63985493-C-T.
Other names: c.205-11509G>A (NM_001413417.1); c.205-8618G>A (NM_001413414.1); c.358+1G>A (NM_001413415.1, NM_001413416.1, NM_001413418.1).
Identifiers: ClinVar variation 1480860 (VCV001480860.6), dbSNP rs2129762477, ClinGen allele CA371333646.

ClinVar aggregate classification (germline): Likely pathogenic (1 of 4 stars; one submission).

Submission:

Labcorp Genetics (formerly Invitae), Labcorp
Classification: Likely pathogenic. Last evaluated: 2023-03-23. Review status: criteria provided, single submitter. Criteria: Invitae Variant Classification Sherloc (09022015). Collection method: clinical testing. Allele origin: germline.
Comment: In summary, the currently available evidence indicates that the variant is pathogenic, but additional data are needed to prove that conclusively. Therefore, this variant has been classified as Likely Pathogenic. Algorithms developed to predict the effect of sequence changes on RNA splicing suggest that this variant may disrupt the consensus splice site. ClinVar contains an entry for this variant (Variation ID: 1480860). This variant has not been reported in the literature in individuals affected with TTPA-related conditions. This variant is not present in population databases (gnomAD no frequency). This sequence change affects a donor splice site in intron 2 of the TTPA gene. It is expected to disrupt RNA splicing. Variants that disrupt the donor or acceptor splice site typically lead to a loss of protein function (PMID: 16199547), and loss-of-function variants in TTPA are known to be pathogenic (PMID: 9463307, 26068213).

Literature cited by the submitters: PubMed 16199547; PubMed 9463307; PubMed 26068213.